The following is an entry in ClinVar:

NM_138615.3(DHX30):c.2129T>C (p.Met710Thr)

Gene: DHX30 (DExH-box helicase 30; plus strand). Cytogenetic location: 3p21.31.
Variant type: single nucleotide variant.
Coding change: c.2129T>C on transcript NM_138615.3 (MANE Select); coding-DNA position 2129, T replaced by C.
Protein change: p.Met710Thr; replaces methionine 710 with threonine.
Molecular consequence: missense variant.
Genome position (GRCh38, 1-based): chr3:47,847,799, T>C. VCF-style: chr3-47847799-T-C. GRCh37 (hg19) VCF-style: chr3-47889289-T-C.
Other names: c.2045T>C, p.Met682Thr (NM_001330990.2); c.2012T>C, p.Met671Thr (NM_014966.4); short protein forms M671T, M682T, M710T.
Identifiers: ClinVar variation 2663232 (VCV002663232.2), dbSNP rs2549296263, ClinGen allele CA352588374.

ClinVar aggregate classification (germline): Uncertain significance (1 of 4 stars; one submission).

Allele frequency attached by ClinVar (database versions not stated): gnomAD exomes below 0.00001.
gnomAD v4.1: 1 of 1,614,000 alleles (0.000062%); highest among the groups gnomAD compares: Non-Finnish European, 0.000085%; no homozygotes.

Submission:

GeneDx
Classification: Uncertain significance. Last evaluated: 2024-05-15. Review status: criteria provided, single submitter. Criteria: GeneDx Variant Classification Process June 2021. Collection method: clinical testing. Allele origin: germline.
Comment: Not observed at significant frequency in large population cohorts (gnomAD); In silico analysis indicates that this missense variant does not alter protein structure/function; Has not been previously published as pathogenic or benign to our knowledge